The following is an entry in ClinVar:

ClinVar aggregate classification (germline): Uncertain significance. Review status: criteria provided, multiple submitters, no conflicts (2 of 4 stars). 3 submissions from 3 submitters: Uncertain significance (3). Last evaluated 2026-01-19.

Conditions:
Inborn genetic diseases. Identifiers: MedGen C0950123, MeSH D030342.

Allele frequency attached by ClinVar (database versions not stated): gnomAD exomes 0.00001; ExAC 0.00002; TOPMed 0.00001.

Submissions (3):

Labcorp Genetics (formerly Invitae), Labcorp
Classification: Uncertain significance. Last evaluated: 2026-01-19. Review status: criteria provided, single submitter. Criteria: Invitae Variant Classification Sherloc (09022015). Collection method: clinical testing. Allele origin: germline.
Comment: This sequence change replaces arginine, which is basic and polar, with glycine, which is neutral and non-polar, at codon 288 of the SAMD9L protein (p.Arg288Gly). This variant is present in population databases (rs750293494, gnomAD 0.009%). This variant has not been reported in the literature in individuals affected with SAMD9L-related conditions. ClinVar contains an entry for this variant (Variation ID: 2888132). An algorithm developed to predict the effect of missense changes on protein structure and function (PolyPhen-2) suggests that this variant is likely to be disruptive. In summary, the available evidence is currently insufficient to determine the role of this variant in disease. Therefore, it has been classified as a Variant of Uncertain Significance.

Ambry Genetics
Classification: Uncertain significance for Inborn genetic diseases. Last evaluated: 2025-11-16. Review status: criteria provided, single submitter. Criteria: Ambry Variant Classification Scheme 2023. Collection method: clinical testing. Allele origin: germline.
Comment: The p.R288G variant (also known as c.862A>G), located in coding exon 1 of the SAMD9L gene, results from an A to G substitution at nucleotide position 862. The arginine at codon 288 is replaced by glycine, an amino acid with dissimilar properties. This amino acid position is conserved. In addition, the in silico prediction for this alteration is inconclusive. Based on the available evidence, the clinical significance of this variant remains unclear.

GeneDx
Classification: Uncertain significance. Last evaluated: 2023-10-24. Review status: criteria provided, single submitter. Criteria: GeneDx Variant Classification Process June 2021. Collection method: clinical testing. Allele origin: germline. Affected: yes.
Comment: Not observed at significant frequency in large population cohorts (gnomAD); In silico analysis supports that this missense variant has a deleterious effect on protein structure/function; Has not been previously published as pathogenic or benign to our knowledge; This variant is associated with the following publications: (PMID: 28545555)

NM_152703.5(SAMD9L):c.862A>G (p.Arg288Gly)

Gene: SAMD9L (sterile alpha motif domain containing 9 like; minus strand). Cytogenetic location: 7q21.2.
Variant type: single nucleotide variant.
Coding change: c.862A>G on transcript NM_152703.5 (MANE Select); coding-DNA position 862, A replaced by G.
Protein change: p.Arg288Gly; replaces arginine 288 with glycine.
Molecular consequence: missense variant.
Genome position (GRCh38, 1-based): chr7:93,135,110, T>C on the plus strand (A>G on the coding strand, the complement: SAMD9L is on the minus strand). VCF-style: chr7-93135110-T-C. GRCh37 (hg19) VCF-style: chr7-92764423-T-C.
Other names: c.862A>G (NM_152703.3, NM_152703.2); c.862A>G, p.Arg288Gly (NM_001303496.3, NM_001303497.3, NM_001303498.3 and 5 more transcripts); short protein forms R288G.
Identifiers: ClinVar variation 2888132 (VCV002888132.5), dbSNP rs750293494, ClinGen allele CA4343801.